The following is an entry in ClinVar:

ClinVar aggregate classification (germline): Uncertain significance (1 of 4 stars; one submission).

Conditions:
Congenital contractural arachnodactyly (CCA). Also called: BEALS SYNDROME; Beals-Hecht syndrome; Arthrogryposis, distal, type 9. Identifiers: Orphanet 115, MedGen C0220668, MONDO:0007363, OMIM 121050.

Submission:

Labcorp Genetics (formerly Invitae), Labcorp
Classification: Uncertain significance for Congenital contractural arachnodactyly. Last evaluated: 2023-03-30. Review status: criteria provided, single submitter. Criteria: Invitae Variant Classification Sherloc (09022015). Collection method: clinical testing. Allele origin: germline.
Comment: This sequence change replaces methionine, which is neutral and non-polar, with arginine, which is basic and polar, at codon 2805 of the FBN2 protein (p.Met2805Arg). In summary, the available evidence is currently insufficient to determine the role of this variant in disease. Therefore, it has been classified as a Variant of Uncertain Significance. Advanced modeling of protein sequence and biophysical properties (such as structural, functional, and spatial information, amino acid conservation, physicochemical variation, residue mobility, and thermodynamic stability) performed at Invitae indicates that this missense variant is not expected to disrupt FBN2 protein function. This variant has not been reported in the literature in individuals affected with FBN2-related conditions. This variant is not present in population databases (gnomAD no frequency).

NM_001999.4(FBN2):c.8414T>G (p.Met2805Arg)

Gene: FBN2 (fibrillin 2; minus strand). Cytogenetic location: 5q23.3.
Variant type: single nucleotide variant.
Coding change: c.8414T>G on transcript NM_001999.4 (MANE Select); coding-DNA position 8414, T replaced by G.
Protein change: p.Met2805Arg; replaces methionine 2805 with arginine.
Molecular consequence: missense variant.
Genome position (GRCh38, 1-based): chr5:128,259,780, A>C on the plus strand (T>G on the coding strand, the complement: FBN2 is on the minus strand). VCF-style: chr5-128259780-A-C. GRCh37 (hg19) VCF-style: chr5-127595472-A-C.
Other names: short protein forms M2805R.
Identifiers: ClinVar variation 2850858 (VCV002850858.3), dbSNP rs770674704, ClinGen allele CA360745931.